The following is an entry in ClinVar:

ClinVar aggregate classification (germline): Uncertain significance. Review status: criteria provided, multiple submitters, no conflicts (2 of 4 stars). 2 submissions from 2 submitters: Uncertain significance (2). Last evaluated 2022-12-02.

Conditions:
RYR1-related disorder. Also called: RYR1-related condition; RYR1-related disorders. Identifiers: MedGen CN239331.
Congenital multicore myopathy with external ophthalmoplegia (CMYO1B). Also called: Minicore myopathy; Congenital myopathy 1B, autosomal recessive; Minicore myopathy with external ophthalmoplegia; MULTIMINICORE DISEASE WITH EXTERNAL OPHTHALMOPLEGIA; MULTICORE MYOPATHY. Identifiers: Orphanet 598, Orphanet 98905, MedGen C1850674, MONDO:0009712, OMIM 255320, HP:0003789.

gnomAD v4.1: 1 of 1,303,598 alleles (0.000077%); highest among the groups gnomAD compares: Admixed American, 0.0043%; no homozygotes.

Submissions (2):

Labcorp Genetics (formerly Invitae), Labcorp
Classification: Uncertain significance for RYR1-related disorder. Last evaluated: 2022-12-02. Review status: criteria provided, single submitter. Criteria: Invitae Variant Classification Sherloc (09022015). Collection method: clinical testing. Allele origin: germline.
Comment: In summary, the available evidence is currently insufficient to determine the role of this variant in disease. Therefore, it has been classified as a Variant of Uncertain Significance. Advanced modeling of protein sequence and biophysical properties (such as structural, functional, and spatial information, amino acid conservation, physicochemical variation, residue mobility, and thermodynamic stability) performed at Invitae indicates that this missense variant is not expected to disrupt RYR1 protein function. ClinVar contains an entry for this variant (Variation ID: 1030854). This variant has not been reported in the literature in individuals affected with RYR1-related conditions. This variant is not present in population databases (gnomAD no frequency). This sequence change replaces threonine, which is neutral and polar, with arginine, which is basic and polar, at codon 4341 of the RYR1 protein (p.Thr4341Arg).

Baylor Genetics
Classification: Uncertain significance for Congenital multicore myopathy with external ophthalmoplegia. Last evaluated: 2020-09-17. Review status: criteria provided, single submitter. Criteria: ACMG Guidelines, 2015. Collection method: clinical testing. Allele origin: unknown. Affected: yes.
Comment: This variant was determined to be of uncertain significance according to ACMG Guidelines, 2015 [PMID:25741868].

NM_000540.3(RYR1):c.13022C>G (p.Thr4341Arg)

Gene: RYR1 (ryanodine receptor 1; plus strand). Cytogenetic location: 19q13.2.
Variant type: single nucleotide variant.
Coding change: c.13022C>G on transcript NM_000540.3 (MANE Select); coding-DNA position 13022, C replaced by G.
Protein change: p.Thr4341Arg; replaces threonine 4341 with arginine.
Molecular consequence: missense variant.
Genome position (GRCh38, 1-based): chr19:38,565,356, C>G. VCF-style: chr19-38565356-C-G. GRCh37 (hg19) VCF-style: chr19-39055996-C-G.
Other names: c.13007C>G, p.Thr4336Arg (NM_001042723.2); short protein forms T4341R, T4336R.
Identifiers: ClinVar variation 1030854 (VCV001030854.9), dbSNP rs752855919, ClinGen allele CA405673038.
Genomic context (GRCh38, chr19:38,565,356, plus strand): 5'-GGCGGCTTACGGCCCGCGAGGCGGCCACCGCAGTGGCGGCGCTGCTCTGGGCAGCAGTGA[C>G]GCGCGCTGGGGCCGCTGGCGCGGGGGCGGCGGCGGGCGCGCTGGGCCTGCTCTGGGGCTC-3'
Protein context (NP_000531.2, residues 4331-4351): AVAALLWAAV[Thr4341Arg]RAGAAGAGAA